The following is an entry in ClinVar:

NM_000222.3(KIT):c.1775-4A>G

Gene: KIT (KIT proto-oncogene, receptor tyrosine kinase; plus strand). Cytogenetic location: 4q12.
Variant type: single nucleotide variant.
Coding change: c.1775-4A>G on transcript NM_000222.3 (MANE Select); 4 bases into the intron before coding-DNA position 1775, A replaced by G.
Molecular consequence: intron variant.
Genome position (GRCh38, 1-based): chr4:54,727,819, A>G. VCF-style: chr4-54727819-A-G. GRCh37 (hg19) VCF-style: chr4-55593985-A-G.
Other names: c.1778-4A>G (NM_001385284.1, NM_001385290.1); c.1766-4A>G (NM_001385288.1, NM_001385292.1); c.1775-4A>G (NM_001385285.1); c.1763-4A>G (NM_001093772.2, NM_001385286.1).
Identifiers: ClinVar variation 415779 (VCV000415779.18), dbSNP rs373072016, ClinGen allele CA2923578.

ClinVar aggregate classification (germline): Benign/Likely benign. Review status: criteria provided, multiple submitters, no conflicts (2 of 4 stars). 3 submissions from 3 submitters: Benign (1); Likely benign (2). Last evaluated 2026-06-04.

Conditions:
Gastrointestinal stromal tumor. Also called: Gastrointestinal stroma tumor; Gastrointestinal stromal tumor, somatic. Identifiers: Orphanet 44890, MedGen C0238198, MeSH D046152, MONDO:0011719, OMIM 606764, HP:0100723.
Hereditary cancer-predisposing syndrome. Also called: Neoplastic Syndromes, Hereditary; Hereditary Cancer Syndrome; Hereditary neoplastic syndrome; Tumor predisposition. Identifiers: Orphanet 140162, MedGen C0027672, MeSH D009386, MONDO:0015356.

Allele frequency attached by ClinVar (database versions not stated): gnomAD exomes 0.00002 and 0.00001; ESP Exome Variant Server 0.00008; gnomAD 0.00001; TOPMed 0.00001; ExAC 0.00002.
gnomAD v4.1: 14 of 1,611,220 alleles (0.00087%); highest among the groups gnomAD compares: South Asian, 0.0011%; no homozygotes.

Submissions (3):

Myriad Genetics, Inc.
Classification: Benign for Gastrointestinal stromal tumor. Last evaluated: 2026-06-04. Review status: criteria provided, single submitter. Criteria: Myriad Autosomal Dominant, Autosomal Recessive and X-Linked Classification Criteria (2023). Collection method: clinical testing. Allele origin: unknown.
Comment: This variant is considered benign. This variant is intronic and is not expected to impact mRNA splicing. This variant has been observed at a population frequency that is significantly greater than expected given the associated disease prevalence and penetrance.

Labcorp Genetics (formerly Invitae), Labcorp
Classification: Likely benign for Gastrointestinal stromal tumor. Last evaluated: 2025-12-30. Review status: criteria provided, single submitter. Criteria: Invitae Variant Classification Sherloc (09022015). Collection method: clinical testing. Allele origin: germline.

Ambry Genetics
Classification: Likely benign for Hereditary cancer-predisposing syndrome. Last evaluated: 2024-12-20. Review status: criteria provided, single submitter. Criteria: Ambry Variant Classification Scheme 2023. Collection method: clinical testing. Allele origin: germline.